The following is an entry in ClinVar:

ClinVar aggregate classification (germline): Uncertain significance (1 of 4 stars; one submission).

Conditions:
Arrhythmogenic right ventricular dysplasia 13. Also called: Arrhythmogenic right ventricular dysplasia, familial, 13; ARRHYTHMOGENIC RIGHT VENTRICULAR CARDIOMYOPATHY 13. Identifiers: MedGen C3810138, MONDO:0000908, OMIM 615616.

Submission:

Labcorp Genetics (formerly Invitae), Labcorp
Classification: Uncertain significance for Arrhythmogenic right ventricular dysplasia 13. Last evaluated: 2025-12-15. Review status: criteria provided, single submitter. Criteria: Invitae Variant Classification Sherloc (09022015). Collection method: clinical testing. Allele origin: germline.
Comment: This sequence change affects codon 286 of the CTNNA3 mRNA. It is a 'silent' change, meaning that it does not change the encoded amino acid sequence of the CTNNA3 protein. This variant is not present in population databases (gnomAD no frequency). This variant has not been reported in the literature in individuals affected with CTNNA3-related conditions. Algorithms developed to predict the effect of sequence changes on RNA splicing suggest that this variant may create or strengthen a splice site. In summary, the available evidence is currently insufficient to determine the role of this variant in disease. Therefore, it has been classified as a Variant of Uncertain Significance.

NM_013266.4(CTNNA3):c.856C>T (p.Leu286=)

Gene: CTNNA3 (catenin alpha 3; minus strand). Cytogenetic location: 10q21.3.
Variant type: single nucleotide variant.
Coding change: c.856C>T on transcript NM_013266.4 (MANE Select); coding-DNA position 856, C replaced by T.
Protein change: p.Leu286=; no amino-acid change (leucine 286 retained).
Molecular consequence: synonymous variant.
Genome position (GRCh38, 1-based): chr10:67,180,508, G>A on the plus strand (C>T on the coding strand, the complement: CTNNA3 is on the minus strand). VCF-style: chr10-67180508-G-A. GRCh37 (hg19) VCF-style: chr10-68940266-G-A.
Other names: c.856C>T, p.Leu286= (NM_001127384.3); c.892C>T, p.Leu298= (NM_001291133.2).
Identifiers: ClinVar variation 4749584 (VCV004749584.1).